The following is an entry in ClinVar:

ClinVar aggregate classification (germline): Uncertain significance (1 of 4 stars; one submission).

Conditions:
Hereditary cancer-predisposing syndrome. Also called: Neoplastic Syndromes, Hereditary; Tumor predisposition; Hereditary Cancer Syndrome; Hereditary neoplastic syndrome. Identifiers: Orphanet 140162, MedGen C0027672, MeSH D009386, MONDO:0015356.

Submission:

Ambry Genetics
Classification: Uncertain significance for Hereditary cancer-predisposing syndrome. Last evaluated: 2026-05-01. Review status: criteria provided, single submitter. Criteria: Ambry Variant Classification Scheme 2023. Collection method: clinical testing. Allele origin: germline.
Comment: The p.M157I variant (also known as c.471G>T), located in coding exon 5 of the MAX gene, results from a G to T substitution at nucleotide position 471. The methionine at codon 157 is replaced by isoleucine, an amino acid with highly similar properties. This amino acid position is conserved. In addition, the in silico prediction for this alteration is inconclusive. Based on the available evidence, the clinical significance of this variant remains unclear.

NM_002382.5(MAX):c.471G>T (p.Met157Ile)

Gene: MAX (MYC associated transcriptional regulator X; minus strand). Cytogenetic location: 14q23.3.
Variant type: single nucleotide variant.
Coding change: c.471G>T on transcript NM_002382.5 (MANE Select); coding-DNA position 471, G replaced by T.
Protein change: p.Met157Ile; replaces methionine 157 with isoleucine.
Molecular consequence: missense variant. On other transcripts: 3 prime UTR variant (12), non-coding transcript variant (7), intron variant (2).
Genome position (GRCh38, 1-based): chr14:65,076,488, C>A on the plus strand (G>T on the coding strand, the complement: MAX is on the minus strand). VCF-style: chr14-65076488-C-A. GRCh37 (hg19) VCF-style: chr14-65543206-C-A.
Other names: c.*260G>T (NM_001407109.1, NM_001407110.1, NM_145113.3 and 4 more transcripts); c.270G>T, p.Met90Ile (NM_001407111.1, NM_001407112.1); c.444G>T, p.Met148Ile (NM_145112.3, NM_001407095.1); c.144+17220G>T (NM_001271069.2); c.171+17220G>T (NM_197957.4); c.363G>T, p.Met121Ile (NM_001407098.1); c.*244G>T (NM_001407099.1, NM_001407102.1, NM_001407104.1 and 2 more transcripts); c.282G>T, p.Met94Ile (NM_001407105.1, NM_001407106.1, NM_001407107.1 and 1 more transcripts); and 1 more; short protein forms M121I, M148I, M157I, M90I, M94I.
Identifiers: ClinVar variation 4859547 (VCV004859547.1).